The following is an entry in ClinVar:

ClinVar aggregate classification (germline): Uncertain significance (1 of 4 stars; one submission).

Submission:

Ambry Genetics
Classification: Uncertain significance. Last evaluated: 2024-11-08. Review status: criteria provided, single submitter. Criteria: Ambry Variant Classification Scheme 2023. Collection method: clinical testing. Allele origin: germline.
Comment: The c.953_962del10 variant, located in coding exon 5 of the GALNT12 gene, results from a deletion of 10 nucleotides at nucleotide positions 953 to 962, causing a translational frameshift with a predicted alternate stop codon (p.S318Ifs*90). This alteration is expected to result in loss of function by premature protein truncation or nonsense-mediated mRNA decay. The evidence for this gene-disease relationship is limited; therefore, the clinical significance of this alteration is unclear.

NM_024642.5(GALNT12):c.953_962del (p.Ser318fs)

Gene: GALNT12 (polypeptide N-acetylgalactosaminyltransferase 12; plus strand). Cytogenetic location: 9q22.33.
Variant type: Deletion.
Coding change: c.953_962del on transcript NM_024642.5 (MANE Select); coding-DNA positions 953 to 962, 10 bases deleted (GTAAGAAATA; older notation c.953_962delGTAAGAAATA).
Protein change: p.Ser318fs; shifts the reading frame from serine 318.
Molecular consequence: frameshift variant.
Genome position (GRCh38, 1-based): chr9:98,835,284-98,835,293, GTAAGAAATA deleted; deleting any 10 consecutive bases within chr9:98,835,283-98,835,293 gives the same sequence; the c. name uses the placement nearest the transcript's 3' end. VCF-style (leftmost placement, unchanged base first): chr9-98835282-GAGTAAGAAAT-G. GRCh37 (hg19) VCF-style: chr9-101597564-GAGTAAGAAAT-G.
Other names: short protein forms S318fs.
Identifiers: ClinVar variation 3518473 (VCV003518473.1).